The following is an entry in ClinVar:

ClinVar aggregate classification (germline): Uncertain significance. Review status: criteria provided, multiple submitters, no conflicts (2 of 4 stars). 2 submissions from 2 submitters: Uncertain significance (2). Last evaluated 2026-02-04.

Conditions:
Hereditary cancer-predisposing syndrome. Also called: Tumor predisposition; Hereditary neoplastic syndrome; Neoplastic Syndromes, Hereditary; Hereditary Cancer Syndrome. Identifiers: Orphanet 140162, MedGen C0027672, MeSH D009386, MONDO:0015356.

Allele frequency attached by ClinVar (database versions not stated): gnomAD exomes below 0.00001 and 0.00001.
gnomAD v4.1: 13 of 1,613,828 alleles (0.00081%); highest among the groups gnomAD compares: Non-Finnish European, 0.0011%; no homozygotes.

Submissions (2):

Labcorp Genetics (formerly Invitae), Labcorp
Classification: Uncertain significance. Last evaluated: 2026-02-04. Review status: criteria provided, single submitter. Criteria: Invitae Variant Classification Sherloc (09022015). Collection method: clinical testing. Allele origin: germline.
Comment: This sequence change replaces glutamic acid, which is acidic and polar, with aspartic acid, which is acidic and polar, at codon 376 of the MSH3 protein (p.Glu376Asp). This variant is present in population databases (no rsID available, gnomAD 0.0009%). This variant has not been reported in the literature in individuals affected with MSH3-related conditions. ClinVar contains an entry for this variant (Variation ID: 952884). An algorithm developed to predict the effect of missense changes on protein structure and function outputs the following: PolyPhen-2: "Benign". The aspartic acid amino acid residue is found in multiple mammalian species, which suggests that this missense change does not adversely affect protein function. In summary, the available evidence is currently insufficient to determine the role of this variant in disease. Therefore, it has been classified as a Variant of Uncertain Significance.

Ambry Genetics
Classification: Uncertain significance for Hereditary cancer-predisposing syndrome. Last evaluated: 2023-07-12. Review status: criteria provided, single submitter. Criteria: Ambry Variant Classification Scheme 2023. Collection method: clinical testing. Allele origin: germline.
Comment: The p.E376D variant (also known as c.1128A>C), located in coding exon 7 of the MSH3 gene, results from an A to C substitution at nucleotide position 1128. The glutamic acid at codon 376 is replaced by aspartic acid, an amino acid with highly similar properties. This amino acid position is well conserved in available vertebrate species. In addition, this alteration is predicted to be tolerated by in silico analysis. Since supporting evidence is limited at this time, the clinical significance of this alteration remains unclear.

NM_002439.5(MSH3):c.1128A>C (p.Glu376Asp)

Gene: MSH3 (mutS homolog 3; plus strand). Cytogenetic location: 5q14.1.
Variant type: single nucleotide variant.
Coding change: c.1128A>C on transcript NM_002439.5 (MANE Select); coding-DNA position 1128, A replaced by C.
Protein change: p.Glu376Asp; replaces glutamic acid 376 with aspartic acid.
Molecular consequence: missense variant.
Genome position (GRCh38, 1-based): chr5:80,675,083, A>C. VCF-style: chr5-80675083-A-C. GRCh37 (hg19) VCF-style: chr5-79970902-A-C.
Other names: short protein forms E376D.
Identifiers: ClinVar variation 952884 (VCV000952884.10), dbSNP rs1428035715, ClinGen allele CA360268200.